The following is an entry in ClinVar:

NM_020366.4(RPGRIP1):c.2307G>A (p.Lys769=)

Gene: RPGRIP1 (RPGR interacting protein 1; plus strand). Cytogenetic location: 14q11.2.
Variant type: single nucleotide variant.
Coding change: c.2307G>A on transcript NM_020366.4 (MANE Select); coding-DNA position 2307, G replaced by A.
Protein change: p.Lys769=; no amino-acid change (lysine 769 retained).
Molecular consequence: synonymous variant. On other transcripts: intron variant (4).
Genome position (GRCh38, 1-based): chr14:21,325,323, G>A. VCF-style: chr14-21325323-G-A. GRCh37 (hg19) VCF-style: chr14-21793482-G-A.
Other names: c.1233G>A, p.Lys411= (NM_001377948.1); c.796+598G>A (NM_001377949.1); c.689-2300G>A (NM_001377523.1, NM_001377950.1); c.191-2300G>A (NM_001377951.1); c.2307G>A (NM_020366.3).
Identifiers: ClinVar variation 2417015 (VCV002417015.6), dbSNP rs778779328, ClinGen allele CA7089214.
Genomic context (GRCh38, chr14:21,325,323, plus strand): 5'-GTACTGGATGAGGCTGCGTTTCCCCATAAAACCCAGCCTACAGGCGTGCAATAAACGAAA[G>A]AAAGCCCAGGTCTACCTGTCAACCGATGTGCTTGGAGGCCGGAAGGCCCAGGAAGAGGAG-3'
Protein context (NP_065099.3, residues 759-779): KPSLQACNKR[Lys769=]KAQVYLSTDV

ClinVar aggregate classification (germline): Likely benign. Review status: criteria provided, multiple submitters, no conflicts (2 of 4 stars). 2 submissions from 2 submitters: Likely benign (2). Last evaluated 2026-08-30.

Conditions:
RPGRIP1-related disorder. Also called: RPGRIP1-related condition.
Leber congenital amaurosis 6 (LCA6). Identifiers: Orphanet 65, MedGen C1854260, MONDO:0013446, OMIM 613826.
Cone-rod dystrophy 13 (CORD13). Identifiers: Orphanet 1872, MedGen C2750720, MONDO:0011987, OMIM 608194.

Allele frequency attached by ClinVar (database versions not stated): TOPMed below 0.00001.
gnomAD v4.1: 3 of 1,607,220 alleles (0.00019%); highest among the groups gnomAD compares: Admixed American, 0.0051%; no homozygotes.

Submissions (2):

PreventionGenetics, part of Exact Sciences
Classification: Likely benign for RPGRIP1-related condition. Last evaluated: 2026-08-30. Review status: criteria provided, single submitter. Criteria: ACMG Guidelines, 2015. Collection method: clinical testing. Allele origin: germline.
Comment: This variant is classified as likely benign based on ACMG/AMP sequence variant interpretation guidelines (Richards et al. 2015 PMID: 25741868, with internal and published modifications).

Labcorp Genetics (formerly Invitae), Labcorp
Classification: Likely benign for Leber congenital amaurosis 6; Cone-rod dystrophy 13. Last evaluated: 2025-05-15. Review status: criteria provided, single submitter. Criteria: Invitae Variant Classification Sherloc (09022015). Collection method: clinical testing. Allele origin: germline.